The following is an entry in ClinVar:

ClinVar aggregate classification (germline): Uncertain significance (1 of 4 stars; one submission).

Conditions:
Hereditary cancer-predisposing syndrome. Also called: Neoplastic Syndromes, Hereditary; Tumor predisposition; Hereditary neoplastic syndrome; Hereditary Cancer Syndrome. Identifiers: Orphanet 140162, MedGen C0027672, MeSH D009386, MONDO:0015356.

Submission:

Ambry Genetics
Classification: Uncertain significance for Hereditary cancer-predisposing syndrome. Last evaluated: 2026-06-26. Review status: criteria provided, single submitter. Criteria: Ambry Variant Classification Scheme 2023. Collection method: clinical testing. Allele origin: germline.
Comment: The p.A700G variant (also known as c.2099C>G), located in coding exon 7 of the AXIN2 gene, results from a C to G substitution at nucleotide position 2099. The alanine at codon 700 is replaced by glycine, an amino acid with similar properties. This amino acid position is conserved. In addition, the in silico prediction for this alteration is inconclusive. Based on the available evidence, the clinical significance of this variant remains unclear.

NM_004655.4(AXIN2):c.2099C>G (p.Ala700Gly)

Gene: AXIN2 (axin 2; minus strand). Cytogenetic location: 17q24.1.
Variant type: single nucleotide variant.
Coding change: c.2099C>G on transcript NM_004655.4 (MANE Select); coding-DNA position 2099, C replaced by G.
Protein change: p.Ala700Gly; replaces alanine 700 with glycine.
Molecular consequence: missense variant.
Genome position (GRCh38, 1-based): chr17:65,536,362, G>C on the plus strand (C>G on the coding strand, the complement: AXIN2 is on the minus strand). VCF-style: chr17-65536362-G-C. GRCh37 (hg19) VCF-style: chr17-63532480-G-C.
Other names: c.1904C>G, p.Ala635Gly (NM_001363813.1); short protein forms A635G, A700G.
Identifiers: ClinVar variation 5032505 (VCV005032505.1).
Genomic context (GRCh38, chr17:65,536,362, plus strand): 5'-CCCTTCACTTCCACTCACCGCTGCTTTGGGGGCTTCGACACCTCAGCTAGCCTGCGACAG[G>C]CCTCCTCCAGCTGAGCCAGCGTGTTGGGTGGGGTCAGGGGAGGCATCGCAGGGTCCTGGG-3'
Protein context (NP_004646.3, residues 690-710): PPNTLAQLEE[Ala700Gly]CRRLAEVSKP